The following is an entry in ClinVar:

NM_003861.3(DCAF5):c.155_156insAGTCA (p.His52fs)

Gene: DCAF5 (DDB1 and CUL4 associated factor 5; minus strand). Cytogenetic location: 14q24.1.
Variant type: Insertion.
Coding change: c.155_156insAGTCA on transcript NM_003861.3 (MANE Select); coding-DNA positions 155 to 156, AGTCA inserted.
Protein change: p.His52fs; shifts the reading frame from histidine 52.
Molecular consequence: frameshift variant.
Genome position: GRCh38 VCF-style: chr14-69152823-G-GTGACT. GRCh37 (hg19) VCF-style: chr14-69619540-G-GTGACT.
Other names: c.155_156insAGTCA, p.His52fs (NM_001284206.1, NM_001284208.2); short protein forms H52fs.
Identifiers: ClinVar variation 3765786 (VCV003765786.1).
Genomic context (GRCh38, chr14:69,152,823, plus strand): 5'-ACCTGAGACCAGCCACTGGCCTCCATTGTTGGAGAATTCAATGGCATTGACACAGCCGAA[G>GTGACT]TGGCCGAGGAGGTCCTTCTTGTAGAGGTTTCTGCAGCCCCGCAGGCGTCTCCTCTGAAAG-3'

ClinVar aggregate classification (germline): Uncertain significance (1 of 4 stars; one submission).

Submission:

Greenwood Genetic Center Diagnostic Laboratories, Greenwood Genetic Center
Classification: Uncertain significance. Last evaluated: 2024-11-21. Review status: criteria provided, single submitter. Criteria: ACMG Guidelines, 2015. Collection method: clinical testing. Allele origin: germline. Affected: yes.
Comment: Gene of Uncertain Significance